The following is an entry in ClinVar:

NG_011977.1:g.1_264622del

Genes: COL4A5 (collagen type IV alpha 5 chain; plus strand), COL4A6 (collagen type IV alpha 6 chain; minus strand), LOC126863301 (CDK7 strongly-dependent group 2 enhancer GRCh37_chrX:107884720-107885919; plus strand). Cytogenetic location: Xq22.3.
Variant type: Deletion.
Other names: COL4A5 gene deletion.
Identifiers: ClinVar variation 599236 (VCV000599236.2).

ClinVar aggregate classification (germline): Likely pathogenic (0 of 4 stars; one submission).

Conditions:
X-linked Alport syndrome (ATS1). Also called: NEPHROPATHY AND DEAFNESS, X-LINKED; COL4A5-Related Nephropathy. Identifiers: Orphanet 63, Orphanet 88917, MedGen C4746986, MONDO:0010520, OMIM 301050.

Submission:

Foundation for Research in Genetics and Endocrinology, FRIGE's Institute of Human Genetics
Classification: Likely pathogenic for X-linked Alport syndrome. Last evaluated: 2018-10-08. Review status: no assertion criteria provided. Collection method: clinical testing. Allele origin: maternal. Inheritance: X-linked dominant inheritance. Affected: yes. Observed: 1 hemizygote.
Comment: The observed variant c.0 (COL4A5 gene deletion) was not observed in the 1000 Genomes and ExAC databases. The in silico prediction of given variant is damaging by MutationTaster2.